The following is an entry in ClinVar:

ClinVar aggregate classification (germline): Uncertain significance. Review status: criteria provided, multiple submitters, no conflicts (2 of 4 stars). 2 submissions from 2 submitters: Uncertain significance (2). Last evaluated 2024-03-11.

Conditions:
Inborn genetic diseases. Identifiers: MedGen C0950123, MeSH D030342.

Allele frequency attached by ClinVar (database versions not stated): ExAC 0.00001; gnomAD exomes 0.00001; TOPMed 0.00002.
gnomAD v4.1: 6 of 1,614,088 alleles (0.00037%); highest among the groups gnomAD compares: Admixed American, 0.005%; no homozygotes.

Submissions (2):

Labcorp Genetics (formerly Invitae), Labcorp
Classification: Uncertain significance. Last evaluated: 2024-03-11. Review status: criteria provided, single submitter. Criteria: Invitae Variant Classification Sherloc (09022015). Collection method: clinical testing. Allele origin: germline.
Comment: This sequence change replaces lysine, which is basic and polar, with arginine, which is basic and polar, at codon 460 of the AARS2 protein (p.Lys460Arg). This variant is present in population databases (rs757878395, gnomAD 0.009%). This variant has not been reported in the literature in individuals affected with AARS2-related conditions. ClinVar contains an entry for this variant (Variation ID: 1939862). Advanced modeling of protein sequence and biophysical properties (such as structural, functional, and spatial information, amino acid conservation, physicochemical variation, residue mobility, and thermodynamic stability) performed at Invitae indicates that this missense variant is not expected to disrupt AARS2 protein function with a negative predictive value of 80%. In summary, the available evidence is currently insufficient to determine the role of this variant in disease. Therefore, it has been classified as a Variant of Uncertain Significance.

Ambry Genetics
Classification: Uncertain significance for Inborn genetic diseases. Last evaluated: 2022-08-17. Review status: criteria provided, single submitter. Criteria: Ambry Variant Classification Scheme 2023. Collection method: clinical testing. Allele origin: germline.

NM_020745.4(AARS2):c.1379A>G (p.Lys460Arg)

Gene: AARS2 (alanyl-tRNA synthetase 2, mitochondrial; minus strand). Cytogenetic location: 6p21.1.
Variant type: single nucleotide variant.
Coding change: c.1379A>G on transcript NM_020745.4 (MANE Select); coding-DNA position 1379, A replaced by G.
Protein change: p.Lys460Arg; replaces lysine 460 with arginine.
Molecular consequence: missense variant.
Genome position (GRCh38, 1-based): chr6:44,305,708, T>C on the plus strand (A>G on the coding strand, the complement: AARS2 is on the minus strand). VCF-style: chr6-44305708-T-C. GRCh37 (hg19) VCF-style: chr6-44273445-T-C.
Other names: short protein forms K460R.
Identifiers: ClinVar variation 1939862 (VCV001939862.4), dbSNP rs757878395, ClinGen allele CA3834351.